The following is an entry in ClinVar:

NM_006785.4(MALT1):c.1293A>G (p.Pro431=)

Gene: MALT1 (MALT1 paracaspase; plus strand). Cytogenetic location: 18q21.32.
Variant type: single nucleotide variant.
Coding change: c.1293A>G on transcript NM_006785.4 (MANE Select); coding-DNA position 1293, A replaced by G.
Protein change: p.Pro431=; no amino-acid change (proline 431 retained).
Molecular consequence: synonymous variant.
Genome position (GRCh38, 1-based): chr18:58,733,467, A>G. VCF-style: chr18-58733467-A-G. GRCh37 (hg19) VCF-style: chr18-56400699-A-G.
Other names: c.1260A>G, p.Pro420= (NM_173844.3).
Identifiers: ClinVar variation 723903 (VCV000723903.10), dbSNP rs1357458047, ClinGen allele CA504053207.

ClinVar aggregate classification (germline): Likely benign. Review status: criteria provided, single submitter (1 of 4 stars). 2 submissions from 2 submitters: Likely benign (1). 1 of the submissions does not count toward it. Last evaluated 2025-01-07.

Conditions:
MALT1-related disorder. Also called: MALT1-related condition.
Combined immunodeficiency due to MALT1 deficiency. Also called: Immunodeficiency 12. Identifiers: Orphanet 397964, MedGen C3809583, MONDO:0014197, OMIM 615468.

Allele frequency attached by ClinVar (database versions not stated): gnomAD exomes 0.00006; gnomAD 0.00001; TOPMed 0.00001.
gnomAD v4.1: 87 of 1,613,542 alleles (0.0054%); highest among the groups gnomAD compares: Non-Finnish European, 0.0071%; no homozygotes.

Submissions (2):

Labcorp Genetics (formerly Invitae), Labcorp
Classification: Likely benign for Combined immunodeficiency due to MALT1 deficiency. Last evaluated: 2025-01-07. Review status: criteria provided, single submitter. Criteria: Invitae Variant Classification Sherloc (09022015). Collection method: clinical testing. Allele origin: germline.

PreventionGenetics, part of Exact Sciences
Classification: Likely benign for MALT1-related condition. Last evaluated: 2019-07-10. Review status: no assertion criteria provided. Collection method: clinical testing. Allele origin: germline. Not counted in ClinVar's aggregate classification.
Comment: This variant is classified as likely benign based on ACMG/AMP sequence variant interpretation guidelines (Richards et al. 2015 PMID: 25741868, with internal and published modifications).